The following is an entry in ClinVar:

NM_000089.4(COL1A2):c.1971+3A>G

Gene: COL1A2 (collagen type I alpha 2 chain; plus strand). Cytogenetic location: 7q21.3.
Variant type: single nucleotide variant.
Coding change: c.1971+3A>G on transcript NM_000089.4 (MANE Select); 3 bases into the intron after coding-DNA position 1971, A replaced by G.
Molecular consequence: intron variant.
Genome position (GRCh38, 1-based): chr7:94,417,834, A>G. VCF-style: chr7-94417834-A-G. GRCh37 (hg19) VCF-style: chr7-94047146-A-G.
Identifiers: ClinVar variation 1473833 (VCV001473833.7), dbSNP rs756587993, ClinGen allele CA4347235.

ClinVar aggregate classification (germline): Uncertain significance. Review status: criteria provided, multiple submitters, no conflicts (2 of 4 stars). 2 submissions from 2 submitters: Uncertain significance (2). Last evaluated 2022-03-02.

Conditions:
Ehlers-Danlos syndrome, classic type, 1 (EDSCL1). Also called: Ehlers-Danlos syndrome, type 1; Ehlers-Danlos Syndrome, Classic Type, COL5A1-Related; EDS I; EHLERS-DANLOS SYNDROME, GRAVIS TYPE; EHLERS-DANLOS SYNDROME, SEVERE CLASSIC TYPE. Identifiers: MedGen C0268335, MONDO:0019567, OMIM 130000.
Osteogenesis imperfecta type I (OI1). Also called: Lobstein disease; Osteogenesis imperfecta type 1; Lobstein's Disease; Classic Non-deforming Osteogenesis Imperfecta with Blue Sclerae; OI, TYPE I; OSTEOGENESIS IMPERFECTA TARDA. Identifiers: Orphanet 216796, Orphanet 666, MedGen C0023931, MONDO:0008146, OMIM 166200. Disease mechanism: loss of function.

Allele frequency attached by ClinVar (database versions not stated): gnomAD exomes 0.00001.
gnomAD v4.1: 8 of 1,587,366 alleles (0.0005%); highest among the groups gnomAD compares: Non-Finnish European, 0.0006%; no homozygotes.

Submissions (2):

Labcorp Genetics (formerly Invitae), Labcorp
Classification: Uncertain significance for Osteogenesis imperfecta type I; Ehlers-Danlos syndrome, classic type, 1. Last evaluated: 2022-03-02. Review status: criteria provided, single submitter. Criteria: Invitae Variant Classification Sherloc (09022015). Collection method: clinical testing. Allele origin: germline.
Comment: In summary, the available evidence is currently insufficient to determine the role of this variant in disease. Therefore, it has been classified as a Variant of Uncertain Significance. Variants that disrupt the consensus splice site are a relatively common cause of aberrant splicing (PMID: 17576681, 9536098). Algorithms developed to predict the effect of sequence changes on RNA splicing suggest that this variant is not likely to affect RNA splicing. This variant has not been reported in the literature in individuals affected with COL1A2-related conditions. This variant is not present in population databases (gnomAD no frequency). This sequence change falls in intron 32 of the COL1A2 gene. It does not directly change the encoded amino acid sequence of the COL1A2 protein. It affects a nucleotide within the consensus splice site.

Blueprint Genetics
Classification: Uncertain significance. Last evaluated: 2019-07-25. Review status: criteria provided, single submitter. Criteria: ACMG Guidelines, 2015. Collection method: clinical testing. Allele origin: germline.

Literature cited by the submitters: PubMed 17576681 (cited by Labcorp Genetics (formerly Invitae), Labcorp); PubMed 9536098 (cited by Labcorp Genetics (formerly Invitae), Labcorp).